The following is an entry in ClinVar:

NM_001142800.2(EYS):c.7799C>A (p.Pro2600Gln)

Gene: EYS (EGF-like photoreceptor maintenance factor; minus strand). Cytogenetic location: 6q12.
Variant type: single nucleotide variant.
Coding change: c.7799C>A on transcript NM_001142800.2 (MANE Select); coding-DNA position 7799, C replaced by A.
Protein change: p.Pro2600Gln; replaces proline 2600 with glutamine.
Molecular consequence: missense variant.
Genome position (GRCh38, 1-based): chr6:63,778,105, G>T on the plus strand (C>A on the coding strand, the complement: EYS is on the minus strand). VCF-style: chr6-63778105-G-T. GRCh37 (hg19) VCF-style: chr6-64487998-G-T.
Other names: c.7799C>A, p.Pro2600Gln (NM_001292009.2); short protein forms P2600Q.
Identifiers: ClinVar variation 1435419 (VCV001435419.6), dbSNP rs2149664334, ClinGen allele CA364390615.

ClinVar aggregate classification (germline): Uncertain significance (1 of 4 stars; one submission).

Submission:

Labcorp Genetics (formerly Invitae), Labcorp
Classification: Uncertain significance. Last evaluated: 2021-11-04. Review status: criteria provided, single submitter. Criteria: Invitae Variant Classification Sherloc (09022015). Collection method: clinical testing. Allele origin: germline.
Comment: In summary, the available evidence is currently insufficient to determine the role of this variant in disease. Therefore, it has been classified as a Variant of Uncertain Significance. Algorithms developed to predict the effect of missense changes on protein structure and function are either unavailable or do not agree on the potential impact of this missense change (SIFT: "Tolerated"; PolyPhen-2: "Probably Damaging"; Align-GVGD: "Class C0"). This variant has not been reported in the literature in individuals affected with EYS-related conditions. This variant is not present in population databases (gnomAD no frequency). This sequence change replaces proline, which is neutral and non-polar, with glutamine, which is neutral and polar, at codon 2600 of the EYS protein (p.Pro2600Gln).